The following is an entry in ClinVar:

NM_001165963.4(SCN1A):c.86T>C (p.Ile29Thr)

Gene: SCN1A (sodium voltage-gated channel alpha subunit 1; minus strand). Cytogenetic location: 2q24.3.
Variant type: single nucleotide variant.
Coding change: c.86T>C on transcript NM_001165963.4 (MANE Select); coding-DNA position 86, T replaced by C.
Protein change: p.Ile29Thr; replaces isoleucine 29 with threonine.
Molecular consequence: missense variant. On other transcripts: 5 prime UTR variant (1), non-coding transcript variant (1).
Genome position (GRCh38, 1-based): chr2:166,073,536, A>G on the plus strand (T>C on the coding strand, the complement: SCN1A is on the minus strand). VCF-style: chr2-166073536-A-G. GRCh37 (hg19) VCF-style: chr2-166930046-A-G.
Other names: c.86T>C, p.Ile29Thr (NM_001165964.3, NM_001202435.3, NM_001353948.2 and 10 more transcripts); c.-2340T>C (NM_001353961.2); short protein forms I29T.
Identifiers: ClinVar variation 1310827 (VCV001310827.6), dbSNP rs773935383, ClinGen allele CA60270531.

ClinVar aggregate classification (germline): Uncertain significance. Review status: criteria provided, multiple submitters, no conflicts (2 of 4 stars). 2 submissions from 2 submitters: Uncertain significance (2). Last evaluated 2022-05-12.

Conditions:
Early-infantile DEE. Also called: Ohtahara syndrome; Early infantile epileptic encephalopathy; Early infantile epileptic encephalopathy with suppression bursts. Identifiers: Orphanet 1934, MedGen C0393706, MONDO:0800491.

Allele frequency attached by ClinVar (database versions not stated): TOPMed below 0.00001.

Submissions (2):

Labcorp Genetics (formerly Invitae), Labcorp
Classification: Uncertain significance for Early-infantile DEE. Last evaluated: 2022-05-12. Review status: criteria provided, single submitter. Criteria: Invitae Variant Classification Sherloc (09022015). Collection method: clinical testing. Allele origin: germline.
Comment: In summary, the available evidence is currently insufficient to determine the role of this variant in disease. Therefore, it has been classified as a Variant of Uncertain Significance. Advanced modeling of protein sequence and biophysical properties (such as structural, functional, and spatial information, amino acid conservation, physicochemical variation, residue mobility, and thermodynamic stability) performed at Invitae indicates that this missense variant is expected to disrupt SCN1A protein function. ClinVar contains an entry for this variant (Variation ID: 1310827). This variant has not been reported in the literature in individuals affected with SCN1A-related conditions. This variant is not present in population databases (gnomAD no frequency). This sequence change replaces isoleucine, which is neutral and non-polar, with threonine, which is neutral and polar, at codon 29 of the SCN1A protein (p.Ile29Thr).

GeneDx
Classification: Uncertain significance. Last evaluated: 2019-12-06. Review status: criteria provided, single submitter. Criteria: GeneDx Variant Classification Process June 2021. Collection method: clinical testing. Allele origin: germline. Affected: yes.
Comment: Not observed in large population cohorts (Lek et al., 2016); The majority of missense variants in this gene are considered pathogenic (Stenson et al., 2014); In silico analysis, which includes protein predictors and evolutionary conservation, supports a deleterious effect; Has not been previously published as pathogenic or benign to our knowledge; This substitution is predicted to be within the N-terminal cytoplasmic domain